The following is an entry in ClinVar:

ClinVar aggregate classification (germline): Uncertain significance. Review status: criteria provided, multiple submitters, no conflicts (2 of 4 stars). 2 submissions from 2 submitters: Uncertain significance (2). Last evaluated 2023-09-25.

Allele frequency attached by ClinVar (database versions not stated): gnomAD exomes below 0.00001; ExAC 0.00001.
gnomAD v4.1: 2 of 1,614,174 alleles (0.00012%); highest among the groups gnomAD compares: Non-Finnish European, 0.00017%; no homozygotes.

Submissions (2):

Clinical Genetics Laboratory, Skane University Hospital Lund
Classification: Uncertain significance. Last evaluated: 2023-09-25. Review status: criteria provided, single submitter. Criteria: ACMG Guidelines, 2015. Collection method: clinical testing. Allele origin: germline. Affected: yes.

Labcorp Genetics (formerly Invitae), Labcorp
Classification: Uncertain significance. Last evaluated: 2022-02-03. Review status: criteria provided, single submitter. Criteria: Invitae Variant Classification Sherloc (09022015). Collection method: clinical testing. Allele origin: germline.
Comment: In summary, the available evidence is currently insufficient to determine the role of this variant in disease. Therefore, it has been classified as a Variant of Uncertain Significance. Algorithms developed to predict the effect of missense changes on protein structure and function are either unavailable or do not agree on the potential impact of this missense change (SIFT: "Tolerated"; PolyPhen-2: "Possibly Damaging"; Align-GVGD: "Class C0"). This variant has not been reported in the literature in individuals affected with FBLN5-related conditions. This variant is present in population databases (rs745753250, gnomAD 0.0009%). This sequence change replaces arginine, which is basic and polar, with threonine, which is neutral and polar, at codon 342 of the FBLN5 protein (p.Arg342Thr).

NM_006329.4(FBLN5):c.1025G>C (p.Arg342Thr)

Gene: FBLN5 (fibulin 5; minus strand). Cytogenetic location: 14q32.12.
Variant type: single nucleotide variant.
Coding change: c.1025G>C on transcript NM_006329.4 (MANE Select); coding-DNA position 1025, G replaced by C.
Protein change: p.Arg342Thr; replaces arginine 342 with threonine.
Molecular consequence: missense variant.
Genome position (GRCh38, 1-based): chr14:91,877,647, C>G on the plus strand (G>C on the coding strand, the complement: FBLN5 is on the minus strand). VCF-style: chr14-91877647-C-G. GRCh37 (hg19) VCF-style: chr14-92343991-C-G.
Other names: c.1148G>C, p.Arg383Thr (NM_001384158.1); c.1076G>C, p.Arg359Thr (NM_001384159.1); c.1025G>C, p.Arg342Thr (NM_001384160.1); c.857G>C, p.Arg286Thr (NM_001384161.1, NM_001384162.1); short protein forms R286T, R383T, R342T, R359T.
Identifiers: ClinVar variation 1349243 (VCV001349243.9), dbSNP rs745753250, ClinGen allele CA7312633.